The following is an entry in ClinVar:

NM_003985.6(TNK1):c.636C>T (p.Ala212=)

Gene: TNK1 (tyrosine kinase non receptor 1; plus strand). Cytogenetic location: 17p13.1.
Variant type: single nucleotide variant.
Coding change: c.636C>T on transcript NM_003985.6 (MANE Select); coding-DNA position 636, C replaced by T.
Protein change: p.Ala212=; no amino-acid change (alanine 212 retained).
Molecular consequence: synonymous variant.
Genome position (GRCh38, 1-based): chr17:7,384,023, C>T. VCF-style: chr17-7384023-C-T. GRCh37 (hg19) VCF-style: chr17-7287342-C-T.
Other names: c.636C>T, p.Ala212= (NM_001251902.3).
Identifiers: ClinVar variation 3044736 (VCV003044736.2), dbSNP rs767495219, ClinGen allele CA287422720.

ClinVar aggregate classification (germline): Likely benign (0 of 4 stars; one submission).

Conditions:
TNK1-related disorder. Also called: TNK1-related condition.

Allele frequency attached by ClinVar (database versions not stated): gnomAD exomes 0.00004; gnomAD 0.00008; TOPMed 0.00008.

Submission:

PreventionGenetics, part of Exact Sciences
Classification: Likely benign for TNK1-related condition. Last evaluated: 2019-07-09. Review status: no assertion criteria provided. Collection method: clinical testing. Allele origin: germline.
Comment: This variant is classified as likely benign based on ACMG/AMP sequence variant interpretation guidelines (Richards et al. 2015 PMID: 25741868, with internal and published modifications).